The following is an entry in ClinVar:

ClinVar aggregate classification (germline): Uncertain significance. Review status: criteria provided, multiple submitters, no conflicts (2 of 4 stars). 2 submissions from 2 submitters: Uncertain significance (2). Last evaluated 2025-02-01.

Submissions (2):

CeGaT Center for Human Genetics Tuebingen
Classification: Uncertain significance. Last evaluated: 2025-02-01. Review status: criteria provided, single submitter. Criteria: CeGaT Center For Human Genetics Tuebingen Variant Classification Criteria Version 2. Collection method: clinical testing. Allele origin: germline. Affected: yes. Observed: 1 variant allele.
Comment: PUM1: PM4:Supporting

GeneDx
Classification: Uncertain significance. Last evaluated: 2024-08-08. Review status: criteria provided, single submitter. Criteria: GeneDx Variant Classification Process June 2021. Collection method: clinical testing. Allele origin: germline. Affected: yes.
Comment: Not observed at significant frequency in large population cohorts (gnomAD); In-frame deletion of 1 amino acid in a non-repeat region; In silico analysis supports a deleterious effect on protein structure/function; Has not been previously published as pathogenic or benign to our knowledge

NM_001020658.2(PUM1):c.809AGG[2] (p.Glu272del)

Gene: PUM1 (pumilio RNA binding family member 1; minus strand). Cytogenetic location: 1p35.2.
Variant type: Microsatellite.
Coding change: c.809AGG[2] on transcript NM_001020658.2 (MANE Select); two copies in a row of the 3-base unit AGG starting at c.809; the reference has three copies in a row; one copy, 3 bases deleted.
Protein change: p.Glu272del; deletes glutamic acid 272.
Molecular consequence: inframe deletion.
Genome position (GRCh38, 1-based): chr1:30,995,124-30,995,126, CCT deleted on the plus strand (AGG on the coding strand, the reverse complement: PUM1 is on the minus strand); deleting any 3 consecutive bases within chr1:30,995,124-30,995,132 gives the same sequence; the position shown is the placement nearest the transcript's 3' end. VCF-style (leftmost placement, unchanged base first): chr1-30995123-CCCT-C. GRCh37 (hg19) VCF-style: chr1-31467970-CCCT-C.
Other names: c.809AGG[2], p.Glu272del (NM_014676.3); short protein forms E272del.
Identifiers: ClinVar variation 3602868 (VCV003602868.14).
Genomic context (GRCh38, chr1:30,995,123, plus strand): 5'-TTGACGTCTGCATCAATCCCATTCTGCACTGGTAAACCATTGGTCTTGTCCATCACATCA[CCCT>C]CCTCCTTCAAATCTCCTAGCTTATCTCCATCAAACGTACCCTTGTTCTTCTTTTCACCTT-3'